The following is an entry in ClinVar:

NM_001267550.2(TTN):c.68272G>A (p.Asp22758Asn)

Genes: TTN (titin; minus strand), TTN-AS1 (TTN antisense RNA 1; plus strand), LOC126806423 (CDK7 strongly-dependent group 2 enhancer GRCh37_chr2:179443309-179444508; plus strand). Cytogenetic location: 2q31.2.
Variant type: single nucleotide variant.
Coding change: c.68272G>A on transcript NM_001267550.2 (MANE Select); coding-DNA position 68272, G replaced by A.
Protein change: p.Asp22758Asn; replaces aspartic acid 22758 with asparagine.
Molecular consequence: missense variant.
Genome position (GRCh38, 1-based): chr2:178,578,668, C>T on the plus strand (G>A on the coding strand, the complement: TTN is on the minus strand). VCF-style: chr2-178578668-C-T. GRCh37 (hg19) VCF-style: chr2-179443395-C-T.
Other names: c.63349G>A, p.Asp21117Asn (NM_001256850.1); c.60568G>A, p.Asp20190Asn (NM_133378.4); c.41077G>A, p.Asp13693Asn (NM_003319.4); c.41452G>A, p.Asp13818Asn (NM_133432.3); c.41653G>A, p.Asp13885Asn (NM_133437.4); short protein forms D22758N, D20190N, D21117N, D13693N, D13818N, D13885N.
Identifiers: ClinVar variation 47264 (VCV000047264.6), dbSNP rs397517675, ClinGen allele CA140502.
Genomic context (GRCh38, chr2:178,578,668, plus strand): 5'-TACCTGTAATTGGAGAACCACCAGTTTTCTTGGGGTCAGTCCAAGTTAGAGATACTGAAT[C>T]GTGTCTGACATCCACAATATTGGGAGGTGGGGGAGCATCAGGCACATCTAGAAAAAAGTA-3'
Protein context (NP_001254479.2, residues 22748-22768): PPPNIVDVRH[Asp22758Asn]SVSLTWTDPK

ClinVar aggregate classification (germline): Uncertain significance. Review status: criteria provided, multiple submitters, no conflicts (2 of 4 stars). 2 submissions from 2 submitters: Uncertain significance (2). Last evaluated 2017-05-24.

Allele frequency attached by ClinVar (database versions not stated): gnomAD exomes 0.00002 and 0.00001; TOPMed 0.00002; ExAC 0.00003; gnomAD 0.00004.
gnomAD v4.1: 22 of 1,611,882 alleles (0.0014%); highest among the groups gnomAD compares: South Asian, 0.0044%; no homozygotes.

Submissions (2):

GeneDx
Classification: Uncertain significance. Last evaluated: 2017-05-24. Review status: criteria provided, single submitter. Criteria: GeneDx Variant Classification (06012015). Collection method: clinical testing. Allele origin: germline. Affected: yes.
Comment: A variant of uncertain significance has been identified in the TTN gene. Nevertheless, the D21117N variant is not observed at a significant frequency in large population cohorts (Lek et al., 2016; 1000 Genomes Consortium et al., 2015; Exome Variant Server). The D21117N variant is a semi-conservative amino acid substitution, which may impact secondary protein structure as these residues differ in some properties. Furthermore, this substitution occurs at a position where only amino acids with similar properties to Aspartic acid are tolerated across species, and in silico analysis predicts this variant is probably damaging to the protein structure/function. However, although D21117N is located in the A-band region of titin, the majority of pathogenic variants in the TTN gene associated with DCM are truncating variants in the A-band region of titin (Herman et al., 2012). Additionally, this variant is also classified as a variant of uncertain significance in ClinVar by another clinical laboratory (ClinVar SCV000064225.4; Landrum et al., 2016).

Laboratory for Molecular Medicine, Mass General Brigham Personalized Medicine
Classification: Uncertain significance. Last evaluated: 2012-05-01. Review status: criteria provided, single submitter. Criteria: LMM Criteria. Collection method: clinical testing. Allele origin: germline. Observed: 1 variant allele.
Comment: The Asp20190Asn variant (TTN) has not been reported in the literature nor previo usly identified by our laboratory. It was absent from >3,000 European American individuals sequenced by the NHLBI exome sequencing project. This low frequency is consistent with a disease causing role but insufficient to establish this with confidence. Computational analyses (biochem ical amino acid properties, conservation, PolyPhen2, and SIFT) suggest that this variant may impact the protein, though this information is not predictive enoug h to determine pathogenicity. In summary, additional information is needed to fu lly assess the clinical significance of the Asp20190Asn variant.